The following is an entry in ClinVar:

ClinVar aggregate classification (germline): Uncertain significance (1 of 4 stars; one submission).

Conditions:
Bethlem myopathy 1A. Also called: Bethlem Muscular Dystrophy; Bethlem myopathy 1; MYOPATHY, BENIGN CONGENITAL, WITH CONTRACTURES. Identifiers: Orphanet 610, MedGen CN029274, MONDO:0024530, OMIM 158810.

Submission:

Labcorp Genetics (formerly Invitae), Labcorp
Classification: Uncertain significance for Bethlem myopathy 1A. Last evaluated: 2020-01-15. Review status: criteria provided, single submitter. Criteria: Invitae Variant Classification Sherloc (09022015). Collection method: clinical testing. Allele origin: germline.
Comment: This variant has not been reported in the literature in individuals with COL6A3-related conditions. In summary, the available evidence is currently insufficient to determine the role of this variant in disease. Therefore, it has been classified as a Variant of Uncertain Significance. Algorithms developed to predict the effect of missense changes on protein structure and function are either unavailable or do not agree on the potential impact of this missense change (SIFT: "Tolerated"; PolyPhen-2: "Probably Damaging"; Align-GVGD: "Class C0"). Glycine residues within the Gly-Xaa-Yaa repeats of the triple helix domain are required for the structure and stability of fibrillar collagens (PMID: 7695699, 8218237, 19344236). In COL6A3, missense variants at these glycine residues are significantly enriched in individuals with disease (PMID: 15689448, 24038877) compared to the general population (ExAC)." This variant is not present in population databases (ExAC no frequency). This sequence change replaces glycine with valine at codon 2080 of the COL6A3 protein (p.Gly2080Val). The glycine residue is highly conserved and there is a moderate physicochemical difference between glycine and valine.

Literature cited by the submitters: PubMed 7695699; PubMed 8218237; PubMed 19344236; PubMed 15689448; PubMed 24038877.

NM_004369.4(COL6A3):c.6239G>T (p.Gly2080Val)

Gene: COL6A3 (collagen type VI alpha 3 chain; minus strand). Cytogenetic location: 2q37.3.
Variant type: single nucleotide variant.
Coding change: c.6239G>T on transcript NM_004369.4 (MANE Select); coding-DNA position 6239, G replaced by T.
Protein change: p.Gly2080Val; replaces glycine 2080 with valine.
Molecular consequence: missense variant.
Genome position (GRCh38, 1-based): chr2:237,360,131, C>A on the plus strand (G>T on the coding strand, the complement: COL6A3 is on the minus strand). VCF-style: chr2-237360131-C-A. GRCh37 (hg19) VCF-style: chr2-238268774-C-A.
Other names: c.4418G>T, p.Gly1473Val (NM_057166.5); c.5621G>T, p.Gly1874Val (NM_057167.4); short protein forms G1473V, G2080V, G1874V.
Identifiers: ClinVar variation 655948 (VCV000655948.9), dbSNP rs794727188, ClinGen allele CA351216628.
Genomic context (GRCh38, chr2:237,360,131, plus strand): 5'-CATCACCCACGCCTCACCTTTACTCCTCTCTGGCCCGGGCAGCCCTGGAAACCTTGAGTG[C>A]CGTTCACACCAGGCGGACCACGCTCACCCTGTTGTGAGAGACAAAGGCATTTTGCAAGCT-3'
Protein context (NP_004360.2, residues 2070-2090): PGERGPPGVN[Gly2080Val]TQGFQGCPGQ